The following is an entry in ClinVar:

ClinVar aggregate classification (germline): Uncertain significance (1 of 4 stars; one submission).

Conditions:
FG syndrome (FGS). Identifiers: MedGen C0220769, MONDO:0002010.

Allele frequency attached by ClinVar (database versions not stated): TOPMed below 0.00001; ExAC 0.00001; gnomAD exomes 0.00001.
gnomAD v4.1: 9 of 1,174,899 alleles (0.00077%); highest among the groups gnomAD compares: Non-Finnish European, 0.001%; no homozygotes.

Submission:

Labcorp Genetics (formerly Invitae), Labcorp
Classification: Uncertain significance for FG syndrome. Last evaluated: 2024-05-06. Review status: criteria provided, single submitter. Criteria: Invitae Variant Classification Sherloc (09022015). Collection method: clinical testing. Allele origin: germline.
Comment: This sequence change falls in intron 33 of the MED12 gene. It does not directly change the encoded amino acid sequence of the MED12 protein. It affects a nucleotide within the consensus splice site. This variant is present in population databases (rs748647968, gnomAD 0.001%), including at least one homozygous and/or hemizygous individual. This variant has not been reported in the literature in individuals affected with MED12-related conditions. ClinVar contains an entry for this variant (Variation ID: 1347866). Variants that disrupt the consensus splice site are a relatively common cause of aberrant splicing (PMID: 17576681, 9536098). Algorithms developed to predict the effect of sequence changes on RNA splicing suggest that this variant is not likely to affect RNA splicing. In summary, the available evidence is currently insufficient to determine the role of this variant in disease. Therefore, it has been classified as a Variant of Uncertain Significance.

Literature cited by the submitters: PubMed 17576681; PubMed 9536098.

NM_005120.3(MED12):c.4617+3G>A

Gene: MED12 (mediator complex subunit 12; plus strand). Cytogenetic location: Xq13.1.
Variant type: single nucleotide variant.
Coding change: c.4617+3G>A on transcript NM_005120.3 (MANE Select); 3 bases into the intron after coding-DNA position 4617, G replaced by A.
Molecular consequence: intron variant.
Genome position (GRCh38, 1-based): chrX:71,133,215, G>A. VCF-style: chrX-71133215-G-A. GRCh37 (hg19) VCF-style: chrX-70353065-G-A.
Identifiers: ClinVar variation 1347866 (VCV001347866.6), dbSNP rs748647968, ClinGen allele CA10444672.